The following is an entry in ClinVar:

NM_003922.4(HERC1):c.11631A>G (p.Gln3877=)

Gene: HERC1 (HECT and RLD domain containing E3 ubiquitin protein ligase family member 1; minus strand). Cytogenetic location: 15q22.31.
Variant type: single nucleotide variant.
Coding change: c.11631A>G on transcript NM_003922.4 (MANE Select); coding-DNA position 11631, A replaced by G.
Protein change: p.Gln3877=; no amino-acid change (glutamine 3877 retained).
Molecular consequence: synonymous variant.
Genome position (GRCh38, 1-based): chr15:63,640,422, T>C on the plus strand (A>G on the coding strand, the complement: HERC1 is on the minus strand). VCF-style: chr15-63640422-T-C. GRCh37 (hg19) VCF-style: chr15-63932621-T-C.
Identifiers: ClinVar variation 3025189 (VCV003025189.22), dbSNP rs982888589, ClinGen allele CA272100781.
Genomic context (GRCh38, chr15:63,640,422, plus strand): 5'-ATCCAGATGAAGTCCCACAGCAAGGGAAGCCAAGCATTGCATATAGGGGCTATGAACAAG[T>C]TGGTCACCACAAACCACATGAGGCTAAAACAAAATACAAGGATATAATATGTCAAAGAGT-3'
Protein context (NP_003913.3, residues 3867-3887): YEKPHVVCGD[Gln3877=]LVHSPYMQCL

ClinVar aggregate classification (germline): Likely benign (1 of 4 stars; one submission).

Allele frequency attached by ClinVar (database versions not stated): gnomAD exomes 0.00002; gnomAD 0.00003; TOPMed 0.00005.
gnomAD v4.1: 35 of 1,613,472 alleles (0.0022%); highest among the groups gnomAD compares: African/African-American, 0.013%; no homozygotes.

Submission:

CeGaT Center for Human Genetics Tuebingen
Classification: Likely benign. Last evaluated: 2023-12-01. Review status: criteria provided, single submitter. Criteria: CeGaT Center For Human Genetics Tuebingen Variant Classification Criteria Version 2. Collection method: clinical testing. Allele origin: germline. Affected: yes. Observed: 1 variant allele.
Comment: HERC1: BP4, BP7